The following is an entry in ClinVar:

NM_000157.4(GBA1):c.160G>T (p.Val54Leu)

Genes: GBA1 (glucosylceramidase beta 1; minus strand), LOC106627981 (GBA recombination region; plus strand). Cytogenetic location: 1q22.
Variant type: single nucleotide variant.
Coding change: c.160G>T on transcript NM_000157.4 (MANE Select); coding-DNA position 160, G replaced by T.
Protein change: p.Val54Leu; replaces valine 54 with leucine.
Molecular consequence: missense variant. On other transcripts: 5 prime UTR variant (1).
Genome position (GRCh38, 1-based): chr1:155,240,033, C>A on the plus strand (G>T on the coding strand, the complement: GBA1 is on the minus strand). VCF-style: chr1-155240033-C-A. GRCh37 (hg19) VCF-style: chr1-155209824-C-A.
Other names: V15L; c.160G>T, p.Val54Leu (NM_001005741.3, NM_001005742.3, NM_001171812.2); c.-102G>T (NM_001171811.2); c.160G>T (NM_000157.3); short protein forms V54L.
Identifiers: ClinVar variation 4313 (VCV000004313.4), dbSNP rs121908302, ClinGen allele CA253084.

ClinVar aggregate classification (germline): Likely pathogenic. Review status: criteria provided, single submitter (1 of 4 stars). 3 submissions from 3 submitters: Likely pathogenic (1). 2 of the submissions do not count toward it. Last evaluated 2025-10-21.

Conditions:
Gaucher disease. Also called: Acute cerebral Gaucher disease; Cerebroside lipidosis syndrome; Gaucher splenomegaly; Sphingolipidosis 1; Glucocerebrosidosis; Glucosylceramidase deficiency. Identifiers: Orphanet 355, MedGen C0017205, MONDO:0018150.
Gaucher disease type I (GD1). Also called: GD 1; GAUCHER DISEASE, NONCEREBRAL JUVENILE; GBA DEFICIENCY; GD I; GLUCOCEREBROSIDASE DEFICIENCY; ACID BETA-GLUCOSIDASE DEFICIENCY. Identifiers: Orphanet 355, Orphanet 77259, MedGen C1961835, MONDO:0009265, OMIM 230800.

gnomAD v4.1: 1 of 1,614,006 alleles (0.000062%); highest among the groups gnomAD compares: Non-Finnish European, 0.000085%; no homozygotes.

Submissions (3):

Natera, Inc.
Classification: Likely pathogenic for Gaucher disease. Last evaluated: 2025-10-21. Review status: criteria provided, single submitter. Criteria: Natera Variant Classification Schema (03/2026). Collection method: clinical testing. Allele origin: germline.
Comment: The c.160G>T variant in GBA1 is a missense variant predicted to cause substitution of valine to leucine at amino acid 54. This variant is rare in the general population with a frequency below the threshold expected for the associated phenotype(s). This variant has been observed in one or more individuals affected with the associated recessive disease, as either homozygous or compound heterozygous with a second variant (PMID: 20729108). A different variant at the same position has been determined to be Pathogenic or Likely Pathogenic. Computational prediction algorithms indicate this variant is likely to affect gene or protein function. Given the available evidence, this variant is classified as Likely Pathogenic.

Foundation for Research in Genetics and Endocrinology, FRIGE's Institute of Human Genetics
Classification: Pathogenic for Gaucher disease type I. Last evaluated: 2018-09-11. Review status: no assertion criteria provided. Collection method: clinical testing. Allele origin: germline. Inheritance: Autosomal recessive inheritance. Affected: yes. Observed: 1 compound heterozygote. Not counted in ClinVar's aggregate classification.
Comment: The variant NM_000157.4: c.160G>T(p.V54L) in exon-3 of GBA gene has been seen in compound heterozygous status with another known variant NM_000157.4: c.1448T>C(p.L444P) in exon-10 of GBA gene. Both the variants are known pathogenic.

OMIM
Classification: Pathogenic for GAUCHER DISEASE, TYPE I. Last evaluated: 1996-01-01. Review status: no assertion criteria provided. Collection method: literature only. Allele origin: germline. Not counted in ClinVar's aggregate classification.

Literature cited by the submitters: PubMed 20729108 (cited by Natera, Inc.); PubMed 8829654 (cited by OMIM).